The following is an entry in ClinVar:

NM_000090.4(COL3A1):c.3563G>A (p.Gly1188Glu)

Gene: COL3A1 (collagen type III alpha 1 chain; plus strand). Cytogenetic location: 2q32.2.
Variant type: single nucleotide variant.
Coding change: c.3563G>A on transcript NM_000090.4 (MANE Select); coding-DNA position 3563, G replaced by A.
Protein change: p.Gly1188Glu; replaces glycine 1188 with glutamic acid.
Molecular consequence: missense variant.
Genome position (GRCh38, 1-based): chr2:189,008,961, G>A. VCF-style: chr2-189008961-G-A. GRCh37 (hg19) VCF-style: chr2-189873687-G-A.
Other names: G1021E.
Identifiers: ClinVar variation 17218 (VCV000017218.3), dbSNP rs112456072, ClinGen allele CA006671.

ClinVar aggregate classification (germline): Likely pathogenic. Review status: criteria provided, single submitter (1 of 4 stars). 3 submissions from 3 submitters: Likely pathogenic (1). 2 of the submissions do not count toward it. Last evaluated 2023-10-27.

Conditions:
Ehlers-Danlos syndrome, type 4 (EDSVASC). Also called: Ehlers-Danlos syndrome vascular type; Ehlers Danlos syndrome, ecchymotic type; Ehlers Danlos syndrome, arterial type; Ehlers Danlos syndrome, Sack-Barabas type; Ehlers-Danlos Syndrome Type IV. Identifiers: Orphanet 286, MedGen C0268338, MONDO:0017314, OMIM 130050.

Submissions (3):

3billion
Classification: Likely pathogenic for Ehlers-Danlos syndrome, type 4. Last evaluated: 2023-10-27. Review status: criteria provided, single submitter. Criteria: ACMG Guidelines, 2015. Collection method: clinical testing. Allele origin: germline. Affected: yes.
Comment: The variant is not observed in the gnomAD v2.1.1 dataset. Predicted Consequence/Location: Missense changes are a common disease-causing mechanism. In silico tool predictions suggest damaging effect of the variant on gene or gene product [REVEL: 1.00 (>=0.6, sensitivity 0.68 and specificity 0.92); 3Cnet: 0.99 (>=0.6, sensitivity 0.72 and precision 0.9)]. Same nucleotide change resulting in same amino acid change has been previously reported to be associated with COL3A1 related disorder (ClinVar ID: VCV000017218 /PMID: 8098182). Different missense changes at the same codon (p.Gly1188Arg, p.Gly1188Val) have been reported to be associated with COL3A1 related disorder (ClinVar ID: VCV000101202 /PMID: 22019127, 8881656). Therefore, this variant is classified as Likely pathogenic according to the recommendation of ACMG/AMP guideline.

OMIM
Classification: Pathogenic for EHLERS-DANLOS SYNDROME, VASCULAR TYPE. Last evaluated: 2000-03-09. Review status: no assertion criteria provided. Collection method: literature only. Allele origin: germline. Not counted in ClinVar's aggregate classification.

Collagen Diagnostic Laboratory, University of Washington
Classification: Pathogenic for Ehlers-Danlos syndrome, type 4. Review status: no assertion criteria provided. Collection method: clinical testing. Allele origin: germline. Affected: yes. Not counted in ClinVar's aggregate classification.

Literature cited by the submitters: PubMed 22019127 (cited by 3billion); PubMed 8098182 (cited by 3billion and OMIM); PubMed 10706896 (cited by OMIM and Collagen Diagnostic Laboratory, University of Washington); PubMed 9036918 (cited by Collagen Diagnostic Laboratory, University of Washington).